The following is an entry in ClinVar:

ClinVar aggregate classification (germline): Pathogenic (1 of 4 stars; one submission).

Conditions:
Gorlin syndrome. Also called: Basal cell nevus syndrome; Nevoid Basal Cell Carcinoma Syndrome. Identifiers: Orphanet 377, MedGen C0004779, MONDO:0007187.

Submission:

Labcorp Genetics (formerly Invitae), Labcorp
Classification: Pathogenic for Gorlin syndrome. Last evaluated: 2021-10-27. Review status: criteria provided, single submitter. Criteria: Invitae Variant Classification Sherloc (09022015). Collection method: clinical testing. Allele origin: germline.
Comment: Advanced modeling of protein sequence and biophysical properties (such as structural, functional, and spatial information, amino acid conservation, physicochemical variation, residue mobility, and thermodynamic stability) performed at Invitae indicates that this missense variant is expected to disrupt PTCH1 protein function. ClinVar contains an entry for this variant (Variation ID: 1037360). This missense change has been observed in individuals with clinical features of basal cell nevus syndrome or Gorlin syndrome (PMID: 29277811; Invitae). This variant is not present in population databases (gnomAD no frequency). This sequence change replaces tryptophan, which is neutral and slightly polar, with cysteine, which is neutral and slightly polar, at codon 844 of the PTCH1 protein (p.Trp844Cys). This variant disrupts the p.Trp844 amino acid residue in PTCH1. Other variant(s) that disrupt this residue have been determined to be pathogenic (Invitae). This suggests that this residue is clinically significant, and that variants that disrupt this residue are likely to be disease-causing. For these reasons, this variant has been classified as Pathogenic.

Literature cited by the submitters: PubMed 29277811.

NM_000264.5(PTCH1):c.2532G>C (p.Trp844Cys)

Genes: PTCH1 (patched 1; minus strand), LOC100507346 (uncharacterized LOC100507346; plus strand). Cytogenetic location: 9q22.32.
Variant type: single nucleotide variant.
Coding change: c.2532G>C on transcript NM_000264.5 (MANE Select); coding-DNA position 2532, G replaced by C.
Protein change: p.Trp844Cys; replaces tryptophan 844 with cysteine.
Molecular consequence: missense variant. On other transcripts: non-coding transcript variant (2).
Genome position (GRCh38, 1-based): chr9:95,467,144, C>G on the plus strand (G>C on the coding strand, the complement: PTCH1 is on the minus strand). VCF-style: chr9-95467144-C-G. GRCh37 (hg19) VCF-style: chr9-98229426-C-G.
Other names: c.2334G>C, p.Trp778Cys (NM_001083602.3); c.2529G>C, p.Trp843Cys (NM_001083603.3); c.2079G>C, p.Trp693Cys (NM_001083604.3, NM_001083605.3, NM_001083606.3 and 1 more transcripts); c.2376G>C, p.Trp792Cys (NM_001354918.2); short protein forms W693C, W792C, W778C, W844C, W843C.
Identifiers: ClinVar variation 1037360 (VCV001037360.7), dbSNP rs1840077192, ClinGen allele CA374113767.